The following is an entry in ClinVar:

NM_177438.3(DICER1):c.4079G>T (p.Gly1360Val)

Gene: DICER1 (dicer 1, ribonuclease III; minus strand). Cytogenetic location: 14q32.13.
Variant type: single nucleotide variant.
Coding change: c.4079G>T on transcript NM_177438.3 (MANE Select); coding-DNA position 4079, G replaced by T.
Protein change: p.Gly1360Val; replaces glycine 1360 with valine.
Molecular consequence: missense variant. On other transcripts: non-coding transcript variant (6).
Genome position (GRCh38, 1-based): chr14:95,099,907, C>A on the plus strand (G>T on the coding strand, the complement: DICER1 is on the minus strand). VCF-style: chr14-95099907-C-A. GRCh37 (hg19) VCF-style: chr14-95566244-C-A.
Other names: c.4079G>T, p.Gly1360Val (NM_001195573.1, NM_001271282.3, NM_001291628.2 and 13 more transcripts); c.3797G>T, p.Gly1266Val (NM_001395686.1); c.3674G>T, p.Gly1225Val (NM_001395687.1, NM_001395688.1, NM_001395689.1 and 2 more transcripts); c.3512G>T, p.Gly1171Val (NM_001395691.1); c.2396G>T, p.Gly799Val (NM_001395697.1); short protein forms G1225V, G1266V, G799V, G1360V, G1171V.
Identifiers: ClinVar variation 2566214 (VCV002566214.2), dbSNP rs1890727260, ClinGen allele CA390872226.
Genomic context (GRCh38, chr14:95,099,907, plus strand): 5'-CAATTCACAGGGGGATCAAATATTGACACCACCATGCGGCTGGGTAGTCCCTTCTTTTTT[C>A]CAAGGCGATACAGATTACAGTTGCTGACCTTTAGCAGAAAATATTAGGATACTTATCCAT-3'
Protein context (NP_803187.1, residues 1350-1370): KVSNCNLYRL[Gly1360Val]KKKGLPSRMV

ClinVar aggregate classification (germline): Uncertain significance (1 of 4 stars; one submission).

Conditions:
Hereditary cancer-predisposing syndrome. Also called: Neoplastic Syndromes, Hereditary; Hereditary Cancer Syndrome; Hereditary neoplastic syndrome; Tumor predisposition. Identifiers: Orphanet 140162, MedGen C0027672, MeSH D009386, MONDO:0015356.

Submission:

Ambry Genetics
Classification: Uncertain significance for Hereditary cancer-predisposing syndrome. Last evaluated: 2023-05-26. Review status: criteria provided, single submitter. Criteria: Ambry Variant Classification Scheme 2023. Collection method: clinical testing. Allele origin: germline.
Comment: The p.G1360V variant (also known as c.4079G>T), located in coding exon 21 of the DICER1 gene, results from a G to T substitution at nucleotide position 4079. The glycine at codon 1360 is replaced by valine, an amino acid with dissimilar properties. This amino acid position is conserved. In addition, this alteration is predicted to be deleterious by in silico analysis. Since supporting evidence is limited at this time, the clinical significance of this alteration remains unclear.